The following is an entry in ClinVar:

NM_003119.4(SPG7):c.1909G>A (p.Ala637Thr)

Gene: SPG7 (SPG7 matrix AAA peptidase subunit, paraplegin; plus strand). Cytogenetic location: 16q24.3.
Variant type: single nucleotide variant.
Coding change: c.1909G>A on transcript NM_003119.4 (MANE Select); coding-DNA position 1909, G replaced by A.
Protein change: p.Ala637Thr; replaces alanine 637 with threonine.
Molecular consequence: missense variant.
Genome position (GRCh38, 1-based): chr16:89,553,108, G>A. VCF-style: chr16-89553108-G-A. GRCh37 (hg19) VCF-style: chr16-89619516-G-A.
Other names: p.A637T:GCA>ACA; p.Ala637Thr; c.1909G>A, p.Ala637Thr (NM_001363850.1); short protein forms A637T.
Identifiers: ClinVar variation 215193 (VCV000215193.27), dbSNP rs549735647, ClinGen allele CA322713.
Genomic context (GRCh38, chr16:89,553,108, plus strand): 5'-TTCACCAAGGAGCAGCTGTTTGAGCGGATGTGCATGGCCCTGGGAGGACGGGCCTCGGAA[G>A]CACTGTCCTTCAACGAGGTCACTTCTGGTGAGGAGCAGCGGCGCGGGCCCTGGAGGTTTC-3'
Protein context (NP_003110.1, residues 627-647): CMALGGRASE[Ala637Thr]LSFNEVTSGA

ClinVar aggregate classification (germline): Conflicting classifications of pathogenicity. Review status: criteria provided, conflicting classifications (1 of 4 stars). 6 submissions from 6 submitters: Uncertain significance (3); Likely benign (2). 1 of the submissions does not count toward it. Last evaluated 2026-01-06.

Conditions:
SPG7-related disorder. Also called: SPG7-related condition.
Hereditary spastic paraplegia 7 (SPG7). Also called: Spastic paraplegia 7; Hereditary spastic paraplegia Paraplegin type; Autosomal recessive spastic paraplegia type 7; SPASTIC PARAPLEGIA 7, AUTOSOMAL RECESSIVE, WITH OR WITHOUT CEREBELLAR ATAXIA; SPG7-related neurologic disorder. Identifiers: Orphanet 99013, MedGen C1846564, MONDO:0011803, OMIM 607259.

Allele frequency attached by ClinVar (database versions not stated): gnomAD exomes 0.00003 and 0.00018; gnomAD 0.00007 and 0.00006; 1000 Genomes Project 30x 0.00016; 1000 Genomes Project 0.00020; ExAC 0.00027; TOPMed 0.00007.

Submissions (6):

GeneDx
Classification: Uncertain significance. Last evaluated: 2026-01-06. Review status: criteria provided, single submitter. Criteria: GeneDx Variant Classification Process June 2021. Collection method: clinical testing. Allele origin: germline. Affected: yes.
Comment: In silico analysis suggests that this missense variant does not alter protein structure/function; Has not been previously published as pathogenic or benign to our knowledge

Mayo Clinic Laboratories, Mayo Clinic
Classification: Uncertain significance. Last evaluated: 2025-10-08. Review status: criteria provided, single submitter. Criteria: ACMG Guidelines, 2015. Collection method: clinical testing. Allele origin: germline. Observed: 1 variant allele.
Comment: BP4

Labcorp Genetics (formerly Invitae), Labcorp
Classification: Likely benign for Hereditary spastic paraplegia 7. Last evaluated: 2025-06-11. Review status: criteria provided, single submitter. Criteria: Invitae Variant Classification Sherloc (09022015). Collection method: clinical testing. Allele origin: germline.

CeGaT Center for Human Genetics Tuebingen
Classification: Likely benign. Last evaluated: 2024-11-01. Review status: criteria provided, single submitter. Criteria: CeGaT Center For Human Genetics Tuebingen Variant Classification Criteria Version 2. Collection method: clinical testing. Allele origin: germline. Affected: yes. Observed: 1 variant allele.
Comment: SPG7: BP4

Blueprint Genetics
Classification: Uncertain significance. Last evaluated: 2024-06-27. Review status: criteria provided, single submitter. Criteria: ACMG Guidelines, 2015. Collection method: clinical testing. Allele origin: germline.

PreventionGenetics, part of Exact Sciences
Classification: Likely benign for SPG7-related condition. Last evaluated: 2022-04-15. Review status: no assertion criteria provided. Collection method: clinical testing. Allele origin: germline. Not counted in ClinVar's aggregate classification.
Comment: This variant is classified as likely benign based on ACMG/AMP sequence variant interpretation guidelines (Richards et al. 2015 PMID: 25741868, with internal and published modifications).